The following is an entry in ClinVar:

NM_000245.4(MET):c.2731-3T>C

Gene: MET (MET proto-oncogene, receptor tyrosine kinase; plus strand). Cytogenetic location: 7q31.2.
Variant type: single nucleotide variant.
Coding change: c.2731-3T>C on transcript NM_000245.4 (MANE Select); 3 bases into the intron before coding-DNA position 2731, T replaced by C.
Molecular consequence: intron variant.
Genome position (GRCh38, 1-based): chr7:116,771,495, T>C. VCF-style: chr7-116771495-T-C. GRCh37 (hg19) VCF-style: chr7-116411549-T-C.
Other names: c.2785-3T>C (NM_001127500.3); c.1441-3T>C (NM_001324402.2).
Identifiers: ClinVar variation 3232949 (VCV003232949.1), dbSNP rs2485774358, ClinGen allele CA2825001508.

ClinVar aggregate classification (germline): Uncertain significance (1 of 4 stars; one submission).

Conditions:
Hereditary cancer-predisposing syndrome. Also called: Neoplastic Syndromes, Hereditary; Tumor predisposition; Hereditary neoplastic syndrome; Hereditary Cancer Syndrome. Identifiers: Orphanet 140162, MedGen C0027672, MeSH D009386, MONDO:0015356.

Submission:

Ambry Genetics
Classification: Uncertain significance for Hereditary cancer-predisposing syndrome. Last evaluated: 2024-02-23. Review status: criteria provided, single submitter. Criteria: Ambry Variant Classification Scheme 2023. Collection method: clinical testing. Allele origin: germline.
Comment: The c.2785-3T>C intronic variant results from a T to C substitution 3 nucleotides upstream from coding exon 12 in the MET gene. This nucleotide position is not well conserved in available vertebrate species. In silico splice site analysis predicts that this alteration will not have any significant effect on splicing. Based on the available evidence, the clinical significance of this alteration remains unclear.